The following is an entry in ClinVar:

NM_020831.6(MRTFA):c.1823G>A (p.Cys608Tyr)

Gene: MRTFA (myocardin related transcription factor A; minus strand). Cytogenetic location: 22q13.1.
Variant type: single nucleotide variant.
Coding change: c.1823G>A on transcript NM_020831.6 (MANE Select); coding-DNA position 1823, G replaced by A.
Protein change: p.Cys608Tyr; replaces cysteine 608 with tyrosine.
Molecular consequence: missense variant.
Genome position (GRCh38, 1-based): chr22:40,418,915, C>T on the plus strand (G>A on the coding strand, the complement: MRTFA is on the minus strand). VCF-style: chr22-40418915-C-T. GRCh37 (hg19) VCF-style: chr22-40814919-C-T.
Other names: c.1523G>A, p.Cys508Tyr (NM_001282660.2); c.1673G>A, p.Cys558Tyr (NM_001282661.3); c.1823G>A, p.Cys608Tyr (NM_001282662.3); c.1628G>A, p.Cys543Tyr (NM_001318139.2); c.1523G>A (NM_020831.3); short protein forms C543Y, C508Y, C608Y, C558Y.
Identifiers: ClinVar variation 1960623 (VCV001960623.6), dbSNP rs1469060152, ClinGen allele CA411660283.

ClinVar aggregate classification (germline): Uncertain significance. Review status: criteria provided, multiple submitters, no conflicts (2 of 4 stars). 2 submissions from 2 submitters: Uncertain significance (2). Last evaluated 2025-08-07.

Allele frequency attached by ClinVar (database versions not stated): TOPMed below 0.00001.

Submissions (2):

Ambry Genetics
Classification: Uncertain significance. Last evaluated: 2025-08-07. Review status: criteria provided, single submitter. Criteria: Ambry Variant Classification Scheme 2023. Collection method: clinical testing. Allele origin: germline.

Labcorp Genetics (formerly Invitae), Labcorp
Classification: Uncertain significance. Last evaluated: 2022-07-20. Review status: criteria provided, single submitter. Criteria: Invitae Variant Classification Sherloc (09022015). Collection method: clinical testing. Allele origin: germline.
Comment: This variant is not present in population databases (gnomAD no frequency). In summary, the available evidence is currently insufficient to determine the role of this variant in disease. Therefore, it has been classified as a Variant of Uncertain Significance. Algorithms developed to predict the effect of missense changes on protein structure and function are either unavailable or do not agree on the potential impact of this missense change (SIFT: "Deleterious"; PolyPhen-2: "Probably Damaging"; Align-GVGD: "Class C0"). This variant has not been reported in the literature in individuals affected with MKL1-related conditions. This sequence change replaces cysteine, which is neutral and slightly polar, with tyrosine, which is neutral and polar, at codon 508 of the MKL1 protein (p.Cys508Tyr).